The following is an entry in ClinVar:

NM_015015.3(KDM4B):c.1584G>T (p.Met528Ile)

Gene: KDM4B (lysine demethylase 4B; plus strand). Cytogenetic location: 19p13.3.
Variant type: single nucleotide variant.
Coding change: c.1584G>T on transcript NM_015015.3 (MANE Select); coding-DNA position 1584, G replaced by T.
Protein change: p.Met528Ile; replaces methionine 528 with isoleucine.
Molecular consequence: missense variant.
Genome position (GRCh38, 1-based): chr19:5,131,344, G>T. VCF-style: chr19-5131344-G-T. GRCh37 (hg19) VCF-style: chr19-5131355-G-T.
Other names: c.1686G>T, p.Met562Ile (NM_001411148.1); short protein forms M528I, M562I.
Identifiers: ClinVar variation 2692476 (VCV002692476.1), dbSNP rs2512132228, ClinGen allele CA403499397.

ClinVar aggregate classification (germline): Uncertain significance (1 of 4 stars; one submission).

Submission:

Greenwood Genetic Center Diagnostic Laboratories, Greenwood Genetic Center
Classification: Uncertain significance. Last evaluated: 2023-10-04. Review status: criteria provided, single submitter. Criteria: ACMG Guidelines, 2015. Collection method: clinical testing. Allele origin: germline. Affected: yes.
Comment: PM2, BP4, PP2